The following is an entry in ClinVar:

NM_004628.5(XPC):c.8G>A (p.Arg3Gln)

Genes: XPC (XPC complex subunit, DNA damage recognition and repair factor; minus strand), LOC129936244 (ATAC-STARR-seq lymphoblastoid active region 19500; plus strand). Cytogenetic location: 3p25.1.
Variant type: single nucleotide variant.
Coding change: c.8G>A on transcript NM_004628.5 (MANE Select); coding-DNA position 8, G replaced by A.
Protein change: p.Arg3Gln; replaces arginine 3 with glutamine.
Molecular consequence: missense variant. On other transcripts: 5 prime UTR variant (1), non-coding transcript variant (2).
Genome position (GRCh38, 1-based): chr3:14,178,561, C>T on the plus strand (G>A on the coding strand, the complement: XPC is on the minus strand). VCF-style: chr3-14178561-C-T. GRCh37 (hg19) VCF-style: chr3-14220061-C-T.
Other names: c.-448G>A (NM_001354726.2); c.8G>A, p.Arg3Gln (NM_001354727.2, NM_001354729.2, NM_001354730.2); short protein forms R3Q.
Identifiers: ClinVar variation 1692831 (VCV001692831.1), dbSNP rs369735922, ClinGen allele CA2267845.

ClinVar aggregate classification (germline): Uncertain significance (1 of 4 stars; one submission).

Conditions:
Xeroderma pigmentosum (XP). Identifiers: Orphanet 910, MedGen C0043346, MONDO:0019600.

Allele frequency attached by ClinVar (database versions not stated): gnomAD exomes 0.00001; ExAC 0.00002; gnomAD 0.00005 and 0.00006; TOPMed 0.00007; ESP Exome Variant Server 0.00008.

Submission:

Sema4
Classification: Uncertain significance for Xeroderma pigmentosum. Last evaluated: 2021-12-17. Review status: criteria provided, single submitter. Criteria: Sema4 Curation Guidelines. Collection method: curation. Allele origin: germline.
Comment: The XPC c.8G>A (p.R3Q) variant has not been reported in the literature to our knowledge. This variant was observed in 5/23756 chromosomes in the African/African American population according to the Genome Aggregation Database (PMID: 32461654). This variant has not been reported in ClinVar. Functional studies have not been performed, and in silico predictions of the variant's effect on protein function are inconclusive. The overall evidence is insufficient to meet ACMG/AMP criteria for classifying it as benign or pathogenic. In summary, the clinical significance of this variant is currently uncertain.